The following is an entry in ClinVar:

ClinVar aggregate classification (germline): Benign (0 of 4 stars; one submission).

Conditions:
SELENBP1-related disorder. Also called: SELENBP1-related condition.

Allele frequency attached by ClinVar (database versions not stated): ESP Exome Variant Server 0.00023; TOPMed 0.00032; gnomAD 0.00139; ExAC 0.00607; 1000 Genomes Project 30x 0.00874; 1000 Genomes Project 0.00879.
gnomAD v4.1: 3,830 of 1,613,852 alleles (0.24%); highest among the groups gnomAD compares: South Asian, 3.9%; 123 homozygotes.

Submission:

PreventionGenetics, part of Exact Sciences
Classification: Benign for SELENBP1-related condition. Last evaluated: 2019-05-15. Review status: no assertion criteria provided. Collection method: clinical testing. Allele origin: germline.
Comment: This variant is classified as benign based on ACMG/AMP sequence variant interpretation guidelines (Richards et al. 2015 PMID: 25741868, with internal and published modifications).

NM_003944.4(SELENBP1):c.1208C>T (p.Thr403Met)

Gene: SELENBP1 (selenium binding protein 1; minus strand). Cytogenetic location: 1q21.3.
Variant type: single nucleotide variant.
Coding change: c.1208C>T on transcript NM_003944.4 (MANE Select); coding-DNA position 1208, C replaced by T.
Protein change: p.Thr403Met; replaces threonine 403 with methionine.
Molecular consequence: missense variant.
Genome position (GRCh38, 1-based): chr1:151,364,974, G>A on the plus strand (C>T on the coding strand, the complement: SELENBP1 is on the minus strand). VCF-style: chr1-151364974-G-A. GRCh37 (hg19) VCF-style: chr1-151337450-G-A.
Other names: c.1022C>T, p.Thr341Met (NM_001258288.2); c.1334C>T, p.Thr445Met (NM_001258289.2); short protein forms T341M, T403M, T445M.
Identifiers: ClinVar variation 3037494 (VCV003037494.2), dbSNP rs201363174, ClinGen allele CA1090045.